The following is an entry in ClinVar:

NM_020919.4(ALS2):c.4015C>T (p.Leu1339=)

Gene: ALS2 (alsin Rho guanine nucleotide exchange factor ALS2; minus strand). Cytogenetic location: 2q33.1.
Variant type: single nucleotide variant.
Coding change: c.4015C>T on transcript NM_020919.4 (MANE Select); coding-DNA position 4015, C replaced by T.
Protein change: p.Leu1339=; no amino-acid change (leucine 1339 retained).
Molecular consequence: synonymous variant.
Genome position (GRCh38, 1-based): chr2:201,711,098, G>A on the plus strand (C>T on the coding strand, the complement: ALS2 is on the minus strand). VCF-style: chr2-201711098-G-A. GRCh37 (hg19) VCF-style: chr2-202575821-G-A.
Other names: p.Leu1339=.
Identifiers: ClinVar variation 261377 (VCV000261377.31), dbSNP rs3219168, ClinGen allele CA2057684.

ClinVar aggregate classification (germline): Benign. Review status: criteria provided, multiple submitters, no conflicts (2 of 4 stars). 18 submissions from 15 submitters: Benign (12). 6 of the submissions do not count toward it. Last evaluated 2026-02-04.

Conditions:
Amyotrophic lateral sclerosis type 2, juvenile. Also called: ALS, JUVENILE; Amyotrophic lateral sclerosis type 2. Identifiers: Orphanet 300605, MedGen C1859807, MONDO:0008780, OMIM 205100.
ALS2-related disorder. Also called: ALS2-Related Spectrum Disorders; ALS2-related disorders; ALS2-related condition. Identifiers: MedGen CN169291.
Infantile-onset ascending hereditary spastic paralysis (IAHSP). Also called: Autosomal Recessive Juvenile Amyotrophic Lateral Sclerosis; Infantile-Onset Ascending Hereditary Spastic Paralysis (IAHSP). Identifiers: Orphanet 293168, MedGen C2931441, MONDO:0011797, OMIM 607225. Disease mechanism: loss of function.
Juvenile primary lateral sclerosis (PLSJ). Also called: Juvenile Primary Lateral Sclerosis (JPLS). Identifiers: Orphanet 247604, MedGen C1853396, MONDO:0011663, OMIM 606353.

Allele frequency attached by ClinVar (database versions not stated): ExAC 0.92321; gnomAD exomes 0.92485 and 0.92298; TOPMed 0.88453; ESP Exome Variant Server 0.89000; gnomAD 0.89012 and 0.89385; 1000 Genomes Project 30x 0.89944; 1000 Genomes Project 0.90535.
gnomAD v4.1: 1,472,688 of 1,597,622 alleles (92%); highest among the groups gnomAD compares: East Asian, 99%; 679,627 homozygotes.

Submissions (18):

Labcorp Genetics (formerly Invitae), Labcorp
Classification: Benign for Infantile-onset ascending hereditary spastic paralysis. Last evaluated: 2026-02-04. Review status: criteria provided, single submitter. Criteria: Invitae Variant Classification Sherloc (09022015). Collection method: clinical testing. Allele origin: germline.

Blueprint Genetics
Classification: Benign. Last evaluated: 2024-11-26. Review status: criteria provided, single submitter. Criteria: ACMG Guidelines, 2015. Collection method: clinical testing. Allele origin: germline.

Genome-Nilou Lab
Classification: Benign for Amyotrophic lateral sclerosis type 2, juvenile. Last evaluated: 2021-07-14. Review status: criteria provided, single submitter. Criteria: ACMG Guidelines, 2015. Collection method: clinical testing. Allele origin: germline. Affected: no.

Genome-Nilou Lab
Classification: Benign for Juvenile primary lateral sclerosis. Last evaluated: 2021-07-14. Review status: criteria provided, single submitter. Criteria: ACMG Guidelines, 2015. Collection method: clinical testing. Allele origin: germline. Affected: no.

Genome-Nilou Lab
Classification: Benign for Infantile-onset ascending hereditary spastic paralysis. Last evaluated: 2021-07-14. Review status: criteria provided, single submitter. Criteria: ACMG Guidelines, 2015. Collection method: clinical testing. Allele origin: germline. Affected: no.

GeneDx
Classification: Benign. Last evaluated: 2018-07-03. Review status: criteria provided, single submitter. Criteria: GeneDx Variant Classification Process June 2021. Collection method: clinical testing. Allele origin: germline. Affected: yes.

Illumina Laboratory Services, Illumina
Classification: Benign for Amyotrophic lateral sclerosis type 2. Last evaluated: 2018-01-13. Review status: criteria provided, single submitter. Criteria: ICSL Variant Classification Criteria 13 December 2019. Collection method: clinical testing. Allele origin: germline.
Comment: This variant was observed in the ICSL laboratory as part of a predisposition screen in an ostensibly healthy population. It had not been previously curated by ICSL or reported in the Human Gene Mutation Database (HGMD: prior to June 1st, 2018), and was therefore a candidate for classification through an automated scoring system. Utilizing variant allele frequency, disease prevalence and penetrance estimates, and inheritance mode, an automated score was calculated to assess if this variant is too frequent to cause the disease. Based on the score and internal cut-off values, a variant classified as benign is not then subjected to further curation. The score for this variant resulted in a classification of benign for this disease.

Illumina Laboratory Services, Illumina
Classification: Benign for ALS2-Related Disorders. Last evaluated: 2018-01-13. Review status: criteria provided, single submitter. Criteria: ICSL Variant Classification Criteria 13 December 2019. Collection method: clinical testing. Allele origin: germline.
Comment: the same text as in the submission from Illumina Laboratory Services, Illumina above.

Athena Diagnostics
Classification: Benign. Last evaluated: 2017-11-17. Review status: criteria provided, single submitter. Criteria: Athena Diagnostics Criteria. Collection method: clinical testing. Allele origin: germline.

Mayo Clinic Laboratories, Mayo Clinic
Classification: Benign. Last evaluated: 2017-07-20. Review status: criteria provided, single submitter. Criteria: ACMG Guidelines, 2015. Collection method: clinical testing. Allele origin: germline. Observed: 1,256 variant alleles.

Breakthrough Genomics
Classification: Benign. Review status: criteria provided, single submitter. Criteria: ACMG Guidelines, 2015. Collection method: not provided. Allele origin: germline. Inheritance: Autosomal recessive inheritance. Affected: yes.

PreventionGenetics, part of Exact Sciences
Classification: Benign. Review status: criteria provided, single submitter. Criteria: ACMG Guidelines, 2015. Collection method: clinical testing. Allele origin: germline.

Clinical Genetics DNA and cytogenetics Diagnostics Lab, Erasmus MC, Erasmus Medical Center
Classification: Benign. Review status: no assertion criteria provided. Collection method: clinical testing. Allele origin: germline. Affected: yes. Study: VKGL Data-share Consensus. Not counted in ClinVar's aggregate classification.

Clinical Genetics, Academic Medical Center
Classification: Benign. Review status: no assertion criteria provided. Collection method: clinical testing. Allele origin: germline. Affected: yes. Study: VKGL Data-share Consensus. Not counted in ClinVar's aggregate classification.

Diagnostic Laboratory, Department of Genetics, University Medical Center Groningen
Classification: Benign. Review status: no assertion criteria provided. Collection method: clinical testing. Allele origin: germline. Affected: yes. Study: VKGL Data-share Consensus. Not counted in ClinVar's aggregate classification.

Genome Diagnostics Laboratory, Amsterdam University Medical Center
Classification: Benign. Review status: no assertion criteria provided. Collection method: clinical testing. Allele origin: germline. Affected: yes. Study: VKGL Data-share Consensus. Not counted in ClinVar's aggregate classification.

Genome Diagnostics Laboratory, University Medical Center Utrecht
Classification: Benign. Review status: no assertion criteria provided. Collection method: clinical testing. Allele origin: germline. Affected: yes. Study: VKGL Data-share Consensus. Not counted in ClinVar's aggregate classification.

Joint Genome Diagnostic Labs from Nijmegen and Maastricht, Radboudumc and MUMC+
Classification: Benign. Review status: no assertion criteria provided. Collection method: clinical testing. Allele origin: germline. Affected: yes. Study: VKGL Data-share Consensus. Not counted in ClinVar's aggregate classification.